The following is an entry in ClinVar:

ClinVar aggregate classification (germline): Uncertain significance (1 of 4 stars; one submission).

Conditions:
Paroxysmal nonkinesigenic dyskinesia. Also called: Paroxysmal non-kinesigenic dyskinesia. Identifiers: Orphanet 98810, MedGen C1869117, MONDO:0700088.

Allele frequency attached by ClinVar (database versions not stated): ExAC 0.00001; gnomAD exomes 0.00001.

Submission:

Labcorp Genetics (formerly Invitae), Labcorp
Classification: Uncertain significance for Paroxysmal nonkinesigenic dyskinesia. Last evaluated: 2022-09-07. Review status: criteria provided, single submitter. Criteria: Invitae Variant Classification Sherloc (09022015). Collection method: clinical testing. Allele origin: germline.
Comment: Algorithms developed to predict the effect of sequence changes on RNA splicing suggest that this variant may disrupt the consensus splice site. In summary, the available evidence is currently insufficient to determine the role of this variant in disease. Therefore, it has been classified as a Variant of Uncertain Significance. Algorithms developed to predict the effect of missense changes on protein structure and function are either unavailable or do not agree on the potential impact of this missense change (SIFT: "Deleterious"; PolyPhen-2: "Probably Damaging"; Align-GVGD: "Class C0"). ClinVar contains an entry for this variant (Variation ID: 940236). This variant has not been reported in the literature in individuals affected with PNKD-related conditions. This variant is present in population databases (rs777091882, gnomAD 0.002%). This sequence change replaces arginine, which is basic and polar, with tryptophan, which is neutral and slightly polar, at codon 262 of the PNKD protein (p.Arg262Trp).

NM_015488.5(PNKD):c.784C>T (p.Arg262Trp)

Genes: CATIP-AS2 (CATIP antisense RNA 2; minus strand), PNKD (PNKD metallo-beta-lactamase domain containing; plus strand). Cytogenetic location: 2q35.
Variant type: single nucleotide variant.
Coding change: c.784C>T on transcript NM_015488.5 (MANE Select); coding-DNA position 784, C replaced by T.
Protein change: p.Arg262Trp; replaces arginine 262 with tryptophan.
Molecular consequence: missense variant.
Genome position (GRCh38, 1-based): chr2:218,343,502, C>T. VCF-style: chr2-218343502-C-T. GRCh37 (hg19) VCF-style: chr2-219208225-C-T.
Other names: c.712C>T, p.Arg238Trp (NM_022572.5); short protein forms R262W, R238W.
Identifiers: ClinVar variation 940236 (VCV000940236.9), dbSNP rs777091882, ClinGen allele CA2104110.